The following is an entry in ClinVar:

NM_001843.4(CNTN1):c.1964-159C>G

Gene: CNTN1 (contactin 1; plus strand). Cytogenetic location: 12q12.
Variant type: single nucleotide variant.
Coding change: c.1964-159C>G on transcript NM_001843.4 (MANE Select); 159 bases into the intron before coding-DNA position 1964, C replaced by G.
Molecular consequence: intron variant.
Genome position (GRCh38, 1-based): chr12:40,992,961, C>G. VCF-style: chr12-40992961-C-G. GRCh37 (hg19) VCF-style: chr12-41386763-C-G.
Other names: NC_000012.11:g.41386763C>G; c.1931-159C>G (NM_175038.2).
Identifiers: ClinVar variation 681650 (VCV000681650.2), dbSNP rs12819981, ClinGen allele CA235944967.
Genomic context (GRCh38, chr12:40,992,961, plus strand): 5'-AGGTGATTCATATGCATATCACTCTTTGTAAGTTTATTATATATTAAACCTCTTCTCTTA[C>G]TCCCTTGAATTTAACATTTTGTCATTCCTAGTTGTAGTTTTTACTTCAACTCAGTGTAAT-3'

ClinVar aggregate classification (germline): Benign (1 of 4 stars; one submission).

Allele frequency attached by ClinVar (database versions not stated): gnomAD 0.04039 and 0.04248; 1000 Genomes Project 0.03834; TOPMed 0.03985; 1000 Genomes Project 30x 0.03888.
gnomAD v4.1: 6,116 of 152,276 alleles (4%); highest among the groups gnomAD compares: African/African-American, 8.6%; 190 homozygotes.

Submissions (2):

GeneDx
Classification: Benign. Last evaluated: 2018-06-16. Review status: criteria provided, single submitter. Criteria: GeneDx Variant Classification (06012015). Collection method: clinical testing. Allele origin: germline. Affected: yes.
Comment: This variant is considered likely benign or benign based on one or more of the following criteria: it is a conservative change, it occurs at a poorly conserved position in the protein, it is predicted to be benign by multiple in silico algorithms, and/or has population frequency not consistent with disease.

Dr. Peter K. Rogan Lab, Western University
No classification provided (evidence only). Condition: Ovarian serous cystadenocarcinoma. Review status: no classification provided. Collection method: in vitro. Allele origin: not applicable. Functional consequence: retained intron. Not counted in ClinVar's aggregate classification.